The following is an entry in ClinVar:

ClinVar aggregate classification (germline): Uncertain significance. Review status: criteria provided, multiple submitters, no conflicts (2 of 4 stars). 3 submissions from 3 submitters: Uncertain significance (3). Last evaluated 2026-01-08.

Conditions:
Hypertrophic cardiomyopathy 14. Identifiers: MedGen C2750467, MONDO:0013197, OMIM 613251.
MYH6-related disorder. Also called: MYH6-related condition; MYH6-Related Disorders.
Cardiovascular phenotype. Identifiers: MedGen CN230736.

Allele frequency attached by ClinVar (database versions not stated): ExAC 0.00004; gnomAD 0.00006; TOPMed 0.00007; ESP Exome Variant Server 0.00008; 1000 Genomes Project 30x 0.00016; 1000 Genomes Project 0.00020.
gnomAD v4.1: 22 of 1,613,958 alleles (0.0014%); highest among the groups gnomAD compares: East Asian, 0.013%; no homozygotes.

Submissions (3):

PreventionGenetics, part of Exact Sciences
Classification: Uncertain significance for MYH6-related condition. Last evaluated: 2026-01-08. Review status: criteria provided, single submitter. Criteria: ACMG Guidelines, 2015. Collection method: clinical testing. Allele origin: germline.
Comment: The MYH6 c.4723G>A variant is predicted to result in the amino acid substitution p.Glu1575Lys. This variant has been reported in an infant with sudden unexpected death (Bard et al. 2024. PubMed ID: 38895864). This variant is reported in 0.016% of alleles in individuals of African descent in gnomAD and is interpreted as uncertain in ClinVar (Variation ID: 520357). At this time, the clinical significance of this variant is uncertain due to the absence of conclusive functional and genetic evidence.

Labcorp Genetics (formerly Invitae), Labcorp
Classification: Uncertain significance for Hypertrophic cardiomyopathy 14. Last evaluated: 2025-05-09. Review status: criteria provided, single submitter. Criteria: Invitae Variant Classification Sherloc (09022015). Collection method: clinical testing. Allele origin: germline.
Comment: This sequence change replaces glutamic acid, which is acidic and polar, with lysine, which is basic and polar, at codon 1575 of the MYH6 protein (p.Glu1575Lys). This variant is present in population databases (rs371067114, gnomAD 0.02%). This variant has not been reported in the literature in individuals affected with MYH6-related conditions. ClinVar contains an entry for this variant (Variation ID: 520357). Invitae Evidence Modeling of protein sequence and biophysical properties (such as structural, functional, and spatial information, amino acid conservation, physicochemical variation, residue mobility, and thermodynamic stability) indicates that this missense variant is expected to disrupt MYH6 protein function with a positive predictive value of 80%. In summary, the available evidence is currently insufficient to determine the role of this variant in disease. Therefore, it has been classified as a Variant of Uncertain Significance.

Ambry Genetics
Classification: Uncertain significance for Cardiovascular phenotype. Last evaluated: 2024-12-18. Review status: criteria provided, single submitter. Criteria: Ambry Variant Classification Scheme 2023. Collection method: clinical testing. Allele origin: germline.
Comment: The p.E1575K variant (also known as c.4723G>A), located in coding exon 31 of the MYH6 gene, results from a G to A substitution at nucleotide position 4723. The glutamic acid at codon 1575 is replaced by lysine, an amino acid with similar properties. This amino acid position is well conserved in available vertebrate species. In addition, the in silico prediction for this alteration is inconclusive. Since supporting evidence is limited at this time, the clinical significance of this alteration remains unclear.

NM_002471.4(MYH6):c.4723G>A (p.Glu1575Lys)

Genes: MYH6 (myosin heavy chain 6; minus strand), LOC126861896 (BRD4-independent group 4 enhancer GRCh37_chr14:23854904-23856103; plus strand). Cytogenetic location: 14q11.2.
Variant type: single nucleotide variant.
Coding change: c.4723G>A on transcript NM_002471.4 (MANE Select); coding-DNA position 4723, G replaced by A.
Protein change: p.Glu1575Lys; replaces glutamic acid 1575 with lysine.
Molecular consequence: missense variant.
Genome position (GRCh38, 1-based): chr14:23,386,551, C>T on the plus strand (G>A on the coding strand, the complement: MYH6 is on the minus strand). VCF-style: chr14-23386551-C-T. GRCh37 (hg19) VCF-style: chr14-23855760-C-T.
Other names: short protein forms E1575K.
Identifiers: ClinVar variation 520357 (VCV000520357.18), dbSNP rs371067114, ClinGen allele CA7114654.
Genomic context (GRCh38, chr14:23,386,551, plus strand): 5'-CCCGCTGGTGGTTGCGCTTGGCCTGTTCCATCTCCTCGTCCTTCTCTGCCAGCTTCCGCT[C>T]GATCTCTGCCTTGATCTGGTTGAACTCTAGCTGGGCCCGGAGGATCTTGCCCTCCTCGTG-3'
Protein context (NP_002462.2, residues 1565-1585): LEFNQIKAEI[Glu1575Lys]RKLAEKDEEM